The following is an entry in ClinVar:

NM_001127198.5(TMC6):c.1083-9T>G

Gene: TMC6 (transmembrane channel like 6; minus strand). Cytogenetic location: 17q25.3.
Variant type: single nucleotide variant.
Coding change: c.1083-9T>G on transcript NM_001127198.5 (MANE Select); 9 bases into the intron before coding-DNA position 1083, T replaced by G.
Molecular consequence: intron variant.
Genome position (GRCh38, 1-based): chr17:78,122,758, A>C on the plus strand (T>G on the coding strand, the complement: TMC6 is on the minus strand). VCF-style: chr17-78122758-A-C. GRCh37 (hg19) VCF-style: chr17-76118839-A-C.
Other names: c.1083-9T>G (NM_001374594.1, NM_001374596.1, NM_001374593.1 and 4 more transcripts).
Identifiers: ClinVar variation 1468137 (VCV001468137.6), dbSNP rs2145264579, ClinGen allele CA2573154883.
Genomic context (GRCh38, chr17:78,122,758, plus strand): 5'-GATGCCAGAGGTGCTGCCCACCCGGTAGCTCTCCCCGAAAGAGTGAGCCATGCTGGGGAG[A>C]AGCAGACACAGACATGGCAACCAACAAGCTGACGGGCAGAGGCCAAGGGGAGAAGGCAGA-3'

ClinVar aggregate classification (germline): Uncertain significance (1 of 4 stars; one submission).

Conditions:
Epidermodysplasia verruciformis. Identifiers: Orphanet 302, MedGen C0014522, MONDO:0009176.

Allele frequency attached by ClinVar (database versions not stated): gnomAD exomes below 0.00001.
gnomAD v4.1: 1 of 1,607,914 alleles (0.000062%); highest among the groups gnomAD compares: Non-Finnish European, 0.000085%; no homozygotes.

Submission:

Labcorp Genetics (formerly Invitae), Labcorp
Classification: Uncertain significance for Epidermodysplasia verruciformis. Last evaluated: 2021-09-15. Review status: criteria provided, single submitter. Criteria: Invitae Variant Classification Sherloc (09022015). Collection method: clinical testing. Allele origin: germline.
Comment: In summary, the available evidence is currently insufficient to determine the role of this variant in disease. Therefore, it has been classified as a Variant of Uncertain Significance. Algorithms developed to predict the effect of sequence changes on RNA splicing suggest that this variant may disrupt the consensus splice site. This variant has not been reported in the literature in individuals affected with TMC6-related conditions. This variant is not present in population databases (ExAC no frequency). This sequence change falls in intron 9 of the TMC6 gene. It does not directly change the encoded amino acid sequence of the TMC6 protein.